The following is an entry in ClinVar:

ClinVar aggregate classification (germline): Uncertain significance. Review status: criteria provided, multiple submitters, no conflicts (2 of 4 stars). 2 submissions from 2 submitters: Uncertain significance (2). Last evaluated 2024-09-04.

Allele frequency attached by ClinVar (database versions not stated): TOPMed below 0.00001; gnomAD 0.00001; gnomAD exomes 0.00001 and 0.00002.
gnomAD v4.1: 24 of 1,578,340 alleles (0.0015%); highest among the groups gnomAD compares: Non-Finnish European, 0.0019%; no homozygotes.

Submissions (2):

Labcorp Genetics (formerly Invitae), Labcorp
Classification: Uncertain significance. Last evaluated: 2024-09-04. Review status: criteria provided, single submitter. Criteria: Invitae Variant Classification Sherloc (09022015). Collection method: clinical testing. Allele origin: germline.
Comment: This sequence change replaces serine, which is neutral and polar, with proline, which is neutral and non-polar, at codon 1494 of the LAMC3 protein (p.Ser1494Pro). The frequency data for this variant in the population databases is considered unreliable, as metrics indicate poor data quality at this position in the gnomAD database. This variant has not been reported in the literature in individuals affected with LAMC3-related conditions. ClinVar contains an entry for this variant (Variation ID: 1304836). An algorithm developed to predict the effect of missense changes on protein structure and function (PolyPhen-2) suggests that this variant is likely to be disruptive. In summary, the available evidence is currently insufficient to determine the role of this variant in disease. Therefore, it has been classified as a Variant of Uncertain Significance.

GeneDx
Classification: Uncertain significance. Last evaluated: 2019-08-05. Review status: criteria provided, single submitter. Criteria: GeneDx Variant Classification Process June 2021. Collection method: clinical testing. Allele origin: germline. Affected: yes.
Comment: Not observed at a significant frequency in large population cohorts (Lek et al., 2016); In silico analysis, which includes protein predictors and evolutionary conservation, supports that this variant does not alter protein structure/function; Has not been previously published as pathogenic or benign to our knowledge

NM_006059.4(LAMC3):c.4480T>C (p.Ser1494Pro)

Gene: LAMC3 (laminin subunit gamma 3; plus strand). Cytogenetic location: 9q34.12.
Variant type: single nucleotide variant.
Coding change: c.4480T>C on transcript NM_006059.4 (MANE Select); coding-DNA position 4480, T replaced by C.
Protein change: p.Ser1494Pro; replaces serine 1494 with proline.
Molecular consequence: missense variant.
Genome position (GRCh38, 1-based): chr9:131,091,539, T>C. VCF-style: chr9-131091539-T-C. GRCh37 (hg19) VCF-style: chr9-133966926-T-C.
Other names: short protein forms S1494P.
Identifiers: ClinVar variation 1304836 (VCV001304836.3), dbSNP rs1436078297, ClinGen allele CA375266751.